The following is an entry in ClinVar:

NM_002907.4(RECQL):c.1568G>A (p.Gly523Asp)

Gene: RECQL (RecQ like helicase; minus strand). Cytogenetic location: 12p12.1.
Variant type: single nucleotide variant.
Coding change: c.1568G>A on transcript NM_002907.4 (MANE Select); coding-DNA position 1568, G replaced by A.
Protein change: p.Gly523Asp; replaces glycine 523 with aspartic acid.
Molecular consequence: missense variant.
Genome position (GRCh38, 1-based): chr12:21,471,527, C>T on the plus strand (G>A on the coding strand, the complement: RECQL is on the minus strand). VCF-style: chr12-21471527-C-T. GRCh37 (hg19) VCF-style: chr12-21624461-C-T.
Other names: c.1568G>A, p.Gly523Asp (NM_032941.3); short protein forms G523D.
Identifiers: ClinVar variation 4863120 (VCV004863120.1).

ClinVar aggregate classification (germline): Uncertain significance (1 of 4 stars; one submission).

Submission:

Ambry Genetics
Classification: Uncertain significance. Last evaluated: 2026-04-26. Review status: criteria provided, single submitter. Criteria: Ambry Variant Classification Scheme 2023. Collection method: clinical testing. Allele origin: germline.
Comment: The p.G523D variant (also known as c.1568G>A), located in coding exon 12 of the RECQL gene, results from a G to A substitution at nucleotide position 1568. The glycine at codon 523 is replaced by aspartic acid, an amino acid with similar properties. This amino acid position is conserved. In addition, the in silico prediction for this alteration is inconclusive. Based on the available evidence, the clinical significance of this variant remains unclear.